The following is an entry in ClinVar:

ClinVar aggregate classification (germline): Likely benign. Review status: criteria provided, multiple submitters, no conflicts (2 of 4 stars). 3 submissions from 3 submitters: Likely benign (2). 1 of the submissions does not count toward it. Last evaluated 2026-01-12.

Conditions:
Nemaline myopathy 5 (NEM5A). Also called: NEMALINE MYOPATHY, AMISH TYPE; Nemaline myopathy 5, Amish type; NEMALINE MYOPATHY 5A, AUTOSOMAL RECESSIVE, SEVERE INFANTILE. Identifiers: Orphanet 98902, MedGen C1854380, MONDO:0011539, OMIM 605355.
TNNT1-related disorder. Also called: TNNT1-related condition.

Allele frequency attached by ClinVar (database versions not stated): gnomAD exomes 0.00004 and 0.00006; ExAC 0.00005; TOPMed 0.00017; gnomAD 0.00019 and 0.00021; 1000 Genomes Project 0.00020; 1000 Genomes Project 30x 0.00031.

Submissions (3):

Labcorp Genetics (formerly Invitae), Labcorp
Classification: Likely benign for Nemaline myopathy 5. Last evaluated: 2026-01-12. Review status: criteria provided, single submitter. Criteria: Invitae Variant Classification Sherloc (09022015). Collection method: clinical testing. Allele origin: germline.

GeneDx
Classification: Likely benign. Last evaluated: 2019-06-13. Review status: criteria provided, single submitter. Criteria: GeneDx Variant Classification Process June 2021. Collection method: clinical testing. Allele origin: germline. Affected: yes.

PreventionGenetics, part of Exact Sciences
Classification: Likely benign for TNNT1-related condition. Last evaluated: 2019-09-23. Review status: no assertion criteria provided. Collection method: clinical testing. Allele origin: germline. Not counted in ClinVar's aggregate classification.
Comment: This variant is classified as likely benign based on ACMG/AMP sequence variant interpretation guidelines (Richards et al. 2015 PMID: 25741868, with internal and published modifications).

NM_003283.6(TNNT1):c.156G>A (p.Pro52=)

Gene: TNNT1 (troponin T1, slow skeletal type; minus strand). Cytogenetic location: 19q13.42.
Variant type: single nucleotide variant.
Coding change: c.156G>A on transcript NM_003283.6 (MANE Select); coding-DNA position 156, G replaced by A.
Protein change: p.Pro52=; no amino-acid change (proline 52 retained).
Molecular consequence: synonymous variant.
Genome position (GRCh38, 1-based): chr19:55,141,893, C>T on the plus strand (G>A on the coding strand, the complement: TNNT1 is on the minus strand). VCF-style: chr19-55141893-C-T. GRCh37 (hg19) VCF-style: chr19-55653261-C-T.
Other names: c.156G>A, p.Pro52= (NM_001126132.3); c.123G>A, p.Pro41= (NM_001126133.3, NM_001291774.2).
Identifiers: ClinVar variation 387414 (VCV000387414.17), dbSNP rs369149321, ClinGen allele CA9667538.